The following is an entry in ClinVar:

NM_014639.4(SKIC3):c.4695A>C (p.Ter1565Tyr)

Gene: SKIC3 (SKI3 subunit of superkiller complex; minus strand). Cytogenetic location: 5q15.
Variant type: single nucleotide variant.
Coding change: c.4695A>C on transcript NM_014639.4 (MANE Select); coding-DNA position 4695, A replaced by C.
Protein change: p.Ter1565Tyr.
Molecular consequence: stop lost.
Genome position (GRCh38, 1-based): chr5:95,464,607, T>G on the plus strand (A>C on the coding strand, the complement: SKIC3 is on the minus strand). VCF-style: chr5-95464607-T-G. GRCh37 (hg19) VCF-style: chr5-94800311-T-G.
Identifiers: ClinVar variation 1371642 (VCV001371642.3), dbSNP rs751183327, ClinGen allele CA3346315.

ClinVar aggregate classification (germline): Uncertain significance (1 of 4 stars; one submission).

Allele frequency attached by ClinVar (database versions not stated): TOPMed 0.00001; gnomAD 0.00001.
gnomAD v4.1: 16 of 1,609,840 alleles (0.00099%); highest among the groups gnomAD compares: South Asian, 0.011%; 1 homozygote.

Submission:

Labcorp Genetics (formerly Invitae), Labcorp
Classification: Uncertain significance. Last evaluated: 2021-10-07. Review status: criteria provided, single submitter. Criteria: Invitae Variant Classification Sherloc (09022015). Collection method: clinical testing. Allele origin: germline.
Comment: This sequence change disrupts the translational stop signal of the TTC37 mRNA. It is expected to extend the length of the TTC37 protein by 6 additional amino acid residues. This variant is present in population databases (rs751183327, ExAC 0.01%). This variant has not been reported in the literature in individuals affected with TTC37-related conditions. In summary, the available evidence is currently insufficient to determine the role of this variant in disease. Therefore, it has been classified as a Variant of Uncertain Significance.